The following is an entry in ClinVar:

NM_015378.4(VPS13D):c.8275C>T (p.Arg2759Cys)

Gene: VPS13D (vacuolar protein sorting 13 homolog D; plus strand). Cytogenetic location: 1p36.22.
Variant type: single nucleotide variant.
Coding change: c.8275C>T on transcript NM_015378.4 (MANE Select); coding-DNA position 8275, C replaced by T.
Protein change: p.Arg2759Cys; replaces arginine 2759 with cysteine.
Molecular consequence: missense variant.
Genome position (GRCh38, 1-based): chr1:12,329,906, C>T. VCF-style: chr1-12329906-C-T. GRCh37 (hg19) VCF-style: chr1-12389963-C-T.
Other names: c.8275C>T, p.Arg2759Cys (NM_018156.4); short protein forms R2759C.
Identifiers: ClinVar variation 2085187 (VCV002085187.2), dbSNP rs768679106, ClinGen allele CA603072.

ClinVar aggregate classification (germline): Uncertain significance (1 of 4 stars; one submission).

Allele frequency attached by ClinVar (database versions not stated): gnomAD 0.00005; TOPMed 0.00006; ExAC 0.00007.
gnomAD v4.1: 153 of 1,611,924 alleles (0.0095%); highest among the groups gnomAD compares: South Asian, 0.022%; 1 homozygote.

Submission:

Labcorp Genetics (formerly Invitae), Labcorp
Classification: Uncertain significance. Last evaluated: 2023-04-24. Review status: criteria provided, single submitter. Criteria: Invitae Variant Classification Sherloc (09022015). Collection method: clinical testing. Allele origin: germline.
Comment: In summary, the available evidence is currently insufficient to determine the role of this variant in disease. Therefore, it has been classified as a Variant of Uncertain Significance. Advanced modeling of protein sequence and biophysical properties (such as structural, functional, and spatial information, amino acid conservation, physicochemical variation, residue mobility, and thermodynamic stability) performed at Invitae indicates that this missense variant is expected to disrupt VPS13D protein function. ClinVar contains an entry for this variant (Variation ID: 2085187). This variant has not been reported in the literature in individuals affected with VPS13D-related conditions. This variant is present in population databases (rs768679106, gnomAD 0.1%). This sequence change replaces arginine, which is basic and polar, with cysteine, which is neutral and slightly polar, at codon 2759 of the VPS13D protein (p.Arg2759Cys).